The following is an entry in ClinVar:

NM_024665.7(TBL1XR1):c.256G>C (p.Ala86Pro)

Gene: TBL1XR1 (TBL1X/Y related 1; minus strand). Cytogenetic location: 3q26.32.
Variant type: single nucleotide variant.
Coding change: c.256G>C on transcript NM_024665.7 (MANE Select); coding-DNA position 256, G replaced by C.
Protein change: p.Ala86Pro; replaces alanine 86 with proline.
Molecular consequence: missense variant. On other transcripts: 5 prime UTR variant (2).
Genome position (GRCh38, 1-based): chr3:177,051,675, C>G on the plus strand (G>C on the coding strand, the complement: TBL1XR1 is on the minus strand). VCF-style: chr3-177051675-C-G. GRCh37 (hg19) VCF-style: chr3-176769463-C-G.
Other names: c.256G>C, p.Ala86Pro (NM_001321193.3, NM_001321194.3, NM_001374327.1 and 2 more transcripts); c.-6G>C (NM_001321195.3, NM_001374330.1); short protein forms A86P.
Identifiers: ClinVar variation 4818999 (VCV004818999.1).

ClinVar aggregate classification (germline): Uncertain significance (1 of 4 stars; one submission).

Conditions:
Intellectual developmental disorder, autosomal dominant 41. Also called: Intellectual disability, autosomal dominant 41. Identifiers: Orphanet 2823, MedGen C4310784, MONDO:0014842, OMIM 616944.

Submission:

Victorian Clinical Genetics Services, Murdoch Childrens Research Institute
Classification: Uncertain significance for Intellectual developmental disorder, autosomal dominant 41. Last evaluated: 2025-12-17. Review status: criteria provided, single submitter. Criteria: ACMG Guidelines, 2015. Collection method: clinical testing. Allele origin: germline. Affected: yes.
Comment: This variant is classified as VUS-3B. Evidence in support of pathogenic classification: Variant is absent from gnomAD (v2, v3 and v4). Additional information: Variant is predicted to result in a missense amino acid change from Ala to Pro; This variant is heterozygous; This gene is associated with autosomal dominant disease; This variant has no previous evidence of pathogenicity; No published evidence of segregation with disease has been identified for this variant; No published functional evidence has been identified for this variant; No comparable missense variants have previous evidence for pathogenicity; Variant is not located in an established domain, motif, hotspot or informative constraint region; Missense variant with inconclusive in silico prediction and/or uninformative conservation; Loss of function is a known mechanism of disease in this gene and is associated with intellectual developmental disorder, autosomal dominant 41 (MIM#616944). Gain of function and dominant negative have been suggested as the mechanism for Pierpont syndrome (MIM#602342; PMIDs: 26769062, 30365874); Variants in this gene are known to have variable expressivity. Neurological phenotypes vary whilst dysmorphic features have also been reported in a small number of affected individuals (PMID: 33527360); Inheritance information for this variant is not currently available in this individual.

Literature cited by the submitters: PubMed 30365874; PubMed 33527360; PubMed 26769062.